The following is an entry in ClinVar:

NM_006158.5(NEFL):c.1240dup (p.Gln414fs)

Gene: NEFL (neurofilament light chain; minus strand). Cytogenetic location: 8p21.2.
Variant type: Duplication.
Coding change: c.1240dup on transcript NM_006158.5 (MANE Select); coding-DNA position 1240, one base duplicated (C; older notation c.1240dupC).
Protein change: p.Gln414fs; shifts the reading frame from glutamine 414.
Molecular consequence: frameshift variant.
Genome position (GRCh38, 1-based): chr8:24,953,725, G duplicated on the plus strand (C on the coding strand, the reverse complement: NEFL is on the minus strand); the first of 3 consecutive G bases (chr8:24,953,725-24,953,727); duplicating any one gives the same sequence. VCF-style (leftmost placement, unchanged base first): chr8-24953724-T-TG. GRCh37 (hg19) VCF-style: chr8-24811238-T-TG.
Other names: short protein forms Q414fs.
Identifiers: ClinVar variation 2838458 (VCV002838458.3), dbSNP rs2486881927, ClinGen allele CA2739279270.

ClinVar aggregate classification (germline): Pathogenic (1 of 4 stars; one submission).

Conditions:
Charcot-Marie-Tooth disease type 2E (CMT2E). Also called: CHARCOT-MARIE-TOOTH NEUROPATHY, TYPE 2E; CHARCOT-MARIE-TOOTH DISEASE, AXONAL, TYPE 2E. Identifiers: Orphanet 99939, MedGen C1843225, MONDO:0011894, OMIM 607684.

Submission:

Labcorp Genetics (formerly Invitae), Labcorp
Classification: Pathogenic for Charcot-Marie-Tooth disease type 2E. Last evaluated: 2023-02-17. Review status: criteria provided, single submitter. Criteria: Invitae Variant Classification Sherloc (09022015). Collection method: clinical testing. Allele origin: germline.
Comment: This sequence change creates a premature translational stop signal (p.Gln414Profs*46) in the NEFL gene. It is expected to result in an absent or disrupted protein product. Loss-of-function variants in NEFL are known to be pathogenic (PMID: 19158810, 20039262). This variant is not present in population databases (gnomAD no frequency). This variant has not been reported in the literature in individuals affected with NEFL-related conditions. For these reasons, this variant has been classified as Pathogenic.

Literature cited by the submitters: PubMed 19158810; PubMed 20039262.